The following is an entry in ClinVar:

NM_000528.4(MAN2B1):c.2015dup (p.Ser673fs)

Gene: MAN2B1 (mannosidase alpha class 2B member 1; minus strand). Cytogenetic location: 19p13.13.
Variant type: Duplication.
Coding change: c.2015dup on transcript NM_000528.4 (MANE Select); coding-DNA position 2015, one base duplicated (T; older notation c.2015dupT).
Protein change: p.Ser673fs; shifts the reading frame from serine 673.
Molecular consequence: frameshift variant.
Genome position (GRCh38, 1-based): chr19:12,652,184, A duplicated on the plus strand (T on the coding strand, the reverse complement: MAN2B1 is on the minus strand). VCF-style (leftmost placement, unchanged base first): chr19-12652183-C-CA. GRCh37 (hg19) VCF-style: chr19-12762997-C-CA.
Other names: c.2012dup, p.Ser672fs (NM_001173498.2); c.2018dup, p.Ser674fs (NM_001440570.1); short protein forms S672fs, S673fs, S674fs.
Identifiers: ClinVar variation 5011936 (VCV005011936.1).

ClinVar aggregate classification (germline): Pathogenic (1 of 4 stars; one submission).

Conditions:
Deficiency of alpha-mannosidase (MANSA). Also called: LYSOSOMAL ALPHA-D-MANNOSIDASE DEFICIENCY; Alpha-Mannosidosis; Mannosidosis, alpha-, types I and II. Identifiers: Orphanet 61, MedGen C0024748, MONDO:0009561, OMIM 248500.

Submission:

Myriad Genetics, Inc.
Classification: Pathogenic for Deficiency of alpha-mannosidase. Last evaluated: 2023-09-27. Review status: criteria provided, single submitter. Criteria: Myriad Autosomal Dominant, Autosomal Recessive and X-Linked Classification Criteria (2023). Collection method: clinical testing. Allele origin: unknown.
Comment: NM_000528.3(MAN2B1):c.2015dupT(S673Efs*62) is expected to be pathogenic in the context of alpha-mannosidosis. This variant is predicted to lead to an abnormal or absent protein product due to the creation of a premature termination codon in MAN2B1, a gene where loss-of-function variants are known to be pathogenic. Please note: this variant was assessed in the context of healthy population screening.